The following is an entry in ClinVar:

NM_020911.2(PLXNA4):c.3492+7T>G

Gene: PLXNA4 (plexin A4; minus strand). Cytogenetic location: 7q32.3.
Variant type: single nucleotide variant.
Coding change: c.3492+7T>G on transcript NM_020911.2 (MANE Select); 7 bases into the intron after coding-DNA position 3492, T replaced by G.
Molecular consequence: intron variant.
Genome position (GRCh38, 1-based): chr7:132,181,374, A>C on the plus strand (T>G on the coding strand, the complement: PLXNA4 is on the minus strand). VCF-style: chr7-132181374-A-C. GRCh37 (hg19) VCF-style: chr7-131866133-A-C.
Other names: c.3492+7T>G (NM_001393897.1).
Identifiers: ClinVar variation 4999251 (VCV004999251.1).

ClinVar aggregate classification (germline): Likely benign (1 of 4 stars; one submission).

Conditions:
PLXNA4-related disorder. Also called: PLXNA4-related condition.

Submission:

PreventionGenetics, part of Exact Sciences
Classification: Likely benign for PLXNA4-related condition. Last evaluated: 2026-06-17. Review status: criteria provided, single submitter. Criteria: ACMG Guidelines, 2015. Collection method: clinical testing. Allele origin: germline.
Comment: This variant is classified as likely benign based on ACMG/AMP sequence variant interpretation guidelines (Richards et al. 2015 PMID: 25741868, with internal and published modifications).